The following is an entry in ClinVar:

NM_017934.7(PHIP):c.5075G>T (p.Cys1692Phe)

Genes: IRAK1BP1 (interleukin 1 receptor associated kinase 1 binding protein 1; plus strand), PHIP (PHIP subunit of CUL4-Ring ligase complex; minus strand). Cytogenetic location: 6q14.1.
Variant type: single nucleotide variant.
Coding change: c.5075G>T on transcript NM_017934.7 (MANE Select); coding-DNA position 5075, G replaced by T.
Protein change: p.Cys1692Phe; replaces cysteine 1692 with phenylalanine.
Molecular consequence: missense variant.
Genome position (GRCh38, 1-based): chr6:78,941,084, C>A on the plus strand (G>T on the coding strand, the complement: PHIP is on the minus strand). VCF-style: chr6-78941084-C-A. GRCh37 (hg19) VCF-style: chr6-79650801-C-A.
Other names: short protein forms C1692F.
Identifiers: ClinVar variation 3720131 (VCV003720131.2).

ClinVar aggregate classification (germline): Uncertain significance (1 of 4 stars; one submission).

Submission:

Labcorp Genetics (formerly Invitae), Labcorp
Classification: Uncertain significance. Last evaluated: 2024-11-05. Review status: criteria provided, single submitter. Criteria: Invitae Variant Classification Sherloc (09022015). Collection method: clinical testing. Allele origin: germline.
Comment: This sequence change replaces cysteine, which is neutral and slightly polar, with phenylalanine, which is neutral and non-polar, at codon 1692 of the PHIP protein (p.Cys1692Phe). This variant is not present in population databases (gnomAD no frequency). This variant has not been reported in the literature in individuals affected with PHIP-related conditions. Invitae Evidence Modeling of protein sequence and biophysical properties (such as structural, functional, and spatial information, amino acid conservation, physicochemical variation, residue mobility, and thermodynamic stability) indicates that this missense variant is not expected to disrupt PHIP protein function with a negative predictive value of 95%. In summary, the available evidence is currently insufficient to determine the role of this variant in disease. Therefore, it has been classified as a Variant of Uncertain Significance.